The following is an entry in ClinVar:

ClinVar aggregate classification (germline): Likely benign. Review status: criteria provided, multiple submitters, no conflicts (2 of 4 stars). 2 submissions from 2 submitters: Likely benign (2). Last evaluated 2018-06-14.

Allele frequency attached by ClinVar (database versions not stated): gnomAD exomes 0.00086; 1000 Genomes Project 0.00799; gnomAD 0.00868 and 0.00934; 1000 Genomes Project 30x 0.00874; TOPMed 0.00997.
gnomAD v4.1: 2,600 of 1,595,808 alleles (0.16%); highest among the groups gnomAD compares: African/African-American, 3.1%; 40 homozygotes.

Submissions (2):

GeneDx
Classification: Likely benign. Last evaluated: 2018-06-14. Review status: criteria provided, single submitter. Criteria: GeneDx Variant Classification (06012015). Collection method: clinical testing. Allele origin: germline. Affected: yes.
Comment: This variant is considered likely benign or benign based on one or more of the following criteria: it is a conservative change, it occurs at a poorly conserved position in the protein, it is predicted to be benign by multiple in silico algorithms, and/or has population frequency not consistent with disease.

Breakthrough Genomics
Classification: Likely benign. Review status: criteria provided, single submitter. Criteria: ACMG Guidelines, 2015. Collection method: not provided. Allele origin: germline. Inheritance: Autosomal dominant inheritance. Affected: yes.

NM_001130438.3(SPTAN1):c.2194-89G>A

Gene: SPTAN1 (spectrin alpha, non-erythrocytic 1; plus strand). Cytogenetic location: 9q34.11.
Variant type: single nucleotide variant.
Coding change: c.2194-89G>A on transcript NM_001130438.3 (MANE Select); 89 bases into the intron before coding-DNA position 2194, G replaced by A.
Molecular consequence: intron variant.
Genome position (GRCh38, 1-based): chr9:128,584,193, G>A. VCF-style: chr9-128584193-G-A. GRCh37 (hg19) VCF-style: chr9-131346472-G-A.
Other names: c.2194-89G>A (NM_001363759.2, NM_003127.4, NM_001363765.2 and 1 more transcripts).
Identifiers: ClinVar variation 674334 (VCV000674334.2), dbSNP rs28605457, ClinGen allele CA200381007.
Genomic context (GRCh38, chr9:128,584,193, plus strand): 5'-CCCTTAGAGCTTTCTAGGAGCCCCAGATGAAGGAAGGAGATAGCAGAAAGAATCCTCTCA[G>A]GAATGGAAAAAAGACCTTATCAATTTTTCTCTGTATACGATAAAACCACACCCAAAGTAA-3'